The following is an entry in ClinVar:

ClinVar aggregate classification (germline): Uncertain significance (1 of 4 stars; one submission).

Submission:

GeneDx
Classification: Uncertain significance. Last evaluated: 2019-12-27. Review status: criteria provided, single submitter. Criteria: GeneDx Variant Classification Process June 2021. Collection method: clinical testing. Allele origin: germline. Affected: yes.
Comment: Not observed in large population cohorts (Lek et al., 2016); In silico analysis, which includes protein predictors and evolutionary conservation, supports a deleterious effect; Has not been previously published as pathogenic or benign to our knowledge

NM_004984.4(KIF5A):c.515G>A (p.Arg172His)

Gene: KIF5A (kinesin family member 5A; plus strand). Cytogenetic location: 12q13.3.
Variant type: single nucleotide variant.
Coding change: c.515G>A on transcript NM_004984.4 (MANE Select); coding-DNA position 515, G replaced by A.
Protein change: p.Arg172His; replaces arginine 172 with histidine.
Molecular consequence: missense variant.
Genome position (GRCh38, 1-based): chr12:57,567,139, G>A. VCF-style: chr12-57567139-G-A. GRCh37 (hg19) VCF-style: chr12-57960922-G-A.
Other names: c.248G>A, p.Arg83His (NM_001354705.2); short protein forms R172H, R83H.
Identifiers: ClinVar variation 1310854 (VCV001310854.2), dbSNP rs1882088063, ClinGen allele CA385497602.